The following is an entry in ClinVar:

ClinVar aggregate classification (germline): Benign (0 of 4 stars; one submission).

Conditions:
DYNC1I1-related disorder. Also called: DYNC1I1-related condition.

Allele frequency attached by ClinVar (database versions not stated): 1000 Genomes Project 30x 0.00141; gnomAD 0.00026; ExAC 0.00579; 1000 Genomes Project 0.00140; TOPMed 0.00005; gnomAD exomes 0.00167.
gnomAD v4.1: 491 of 431,586 alleles (0.11%); highest among the groups gnomAD compares: South Asian, 0.74%; 4 homozygotes.

Submission:

PreventionGenetics, part of Exact Sciences
Classification: Benign for DYNC1I1-related condition. Last evaluated: 2019-11-26. Review status: no assertion criteria provided. Collection method: clinical testing. Allele origin: germline.
Comment: This variant is classified as benign based on ACMG/AMP sequence variant interpretation guidelines (Richards et al. 2015 PMID: 25741868, with internal and published modifications).

NM_001278422.2(DYNC1I1):c.1773A>G (p.Leu591=)

Gene: DYNC1I1 (dynein cytoplasmic 1 intermediate chain 1; plus strand). Cytogenetic location: 7q21.3.
Variant type: single nucleotide variant.
Coding change: c.1773A>G on transcript NM_001278422.2; coding-DNA position 1773, A replaced by G.
Protein change: p.Leu591=; no amino-acid change (leucine 591 retained).
Molecular consequence: synonymous variant.
Genome position (GRCh38, 1-based): chr7:96,110,035, A>G. VCF-style: chr7-96110035-A-G. GRCh37 (hg19) VCF-style: chr7-95739347-A-G.
Identifiers: ClinVar variation 3048939 (VCV003048939.2), dbSNP rs550636387, ClinGen allele CA4352663.